The following is an entry in ClinVar:

NM_020975.6(RET):c.628G>A (p.Glu210Lys)

Gene: RET (ret proto-oncogene; plus strand). Cytogenetic location: 10q11.21.
Variant type: single nucleotide variant.
Coding change: c.628G>A on transcript NM_020975.6 (MANE Select); coding-DNA position 628, G replaced by A.
Protein change: p.Glu210Lys; replaces glutamic acid 210 with lysine.
Molecular consequence: missense variant.
Genome position (GRCh38, 1-based): chr10:43,104,954, G>A. VCF-style: chr10-43104954-G-A. GRCh37 (hg19) VCF-style: chr10-43600402-G-A.
Other names: c.628G>A, p.Glu210Lys (NM_000323.2, NM_001406743.1, NM_001406744.1 and 8 more transcripts); c.-135G>A (NM_001355216.2); c.499G>A, p.Glu167Lys (NM_001406761.1, NM_001406762.1, NM_001406764.1 and 2 more transcripts); c.340G>A, p.Glu114Lys (NM_001406766.1, NM_001406767.1, NM_001406770.1); short protein forms E210K, E167K, E114K.
Identifiers: ClinVar variation 405554 (VCV000405554.64), dbSNP rs1060500762, ClinGen allele CA16612871.

ClinVar aggregate classification (germline): Conflicting classifications of pathogenicity. Review status: criteria provided, conflicting classifications (1 of 4 stars). 13 submissions from 10 submitters: Uncertain significance (12); Likely benign (1). Last evaluated 2026-01-28.

Conditions:
Multiple endocrine neoplasia, type 2 (MEN2). Identifiers: Orphanet 653, MedGen C4048306, MONDO:0019003. Disease mechanism: gain of function.
Hirschsprung disease, susceptibility to, 1 (HSCR1). Also called: RET-Related Hirschsprung Disease. Identifiers: Orphanet 388, MedGen C3888239, MONDO:0007723, OMIM 142623.
Multiple endocrine neoplasia type 2B. Also called: WAGENMANN-FROBOESE SYNDROME; MULTIPLE ENDOCRINE NEOPLASIA, TYPE III; MULTIPLE ENDOCRINE NEOPLASIA, TYPE IIB; MEN IIB; NEUROMATA, MUCOSAL, WITH ENDOCRINE TUMORS; MEN 2B. Identifiers: Orphanet 247709, Orphanet 653, MedGen C0025269, MeSH D018814, MONDO:0008082, OMIM 162300.
Pheochromocytoma. Also called: MAX-Related Hereditary Paraganglioma-Pheochromocytoma Syndrome. Identifiers: Orphanet 29072, MedGen C0031511, MONDO:0008233, OMIM 171300, HP:0002666.
Familial medullary thyroid carcinoma (MTC). Also called: Thyroid cancer, familial medullary; MTC, familial; Familial Medullary Thyroid Carcinoma (FMTC). Identifiers: Orphanet 653, Orphanet 99361, MedGen C1833921, MONDO:0007958, OMIM 155240.
Multiple endocrine neoplasia type 2A. Also called: Multiple Endocrine Neoplasia Type 2A (MEN2A); MULTIPLE ENDOCRINE NEOPLASIA, TYPE IIA; PTC SYNDROME; SIPPLE SYNDROME; MEN 2A; MEN-2A syndrome. Identifiers: Orphanet 247698, Orphanet 653, MedGen C0025268, MeSH D018813, MONDO:0008234, OMIM 171400.
Hereditary cancer-predisposing syndrome. Also called: Tumor predisposition; Hereditary Cancer Syndrome; Hereditary neoplastic syndrome; Neoplastic Syndromes, Hereditary. Identifiers: Orphanet 140162, MedGen C0027672, MeSH D009386, MONDO:0015356.
Renal hypodysplasia/aplasia 1 (RHDA1). Also called: RENAL APLASIA; HEREDITARY RENAL APLASIA. Identifiers: Orphanet 411709, MedGen C1619700, MONDO:0024519, OMIM 191830.
RET-related disorder. Also called: RET-related condition; RET-related disease; RET-related disorders.
Multiple endocrine neoplasia. Identifiers: Orphanet 276161, MedGen C0027662, MONDO:0017169.

Allele frequency attached by ClinVar (database versions not stated): gnomAD 0.00001; gnomAD exomes 0.00001; TOPMed 0.00001.
gnomAD v4.1: 18 of 1,563,230 alleles (0.0012%); highest among the groups gnomAD compares: Non-Finnish European, 0.0015%; no homozygotes.

Submissions (13):

Labcorp Genetics (formerly Invitae), Labcorp
Classification: Uncertain significance for Multiple endocrine neoplasia, type 2. Last evaluated: 2026-01-28. Review status: criteria provided, single submitter. Criteria: Invitae Variant Classification Sherloc (09022015). Collection method: clinical testing. Allele origin: germline.
Comment: This sequence change replaces glutamic acid, which is acidic and polar, with lysine, which is basic and polar, at codon 210 of the RET protein (p.Glu210Lys). This variant is present in population databases (no rsID available, gnomAD 0.001%). This missense change has been observed in individual(s) with colorectal cancer and/or Hirschsprung disease (PMID: 22648184, 32283892). ClinVar contains an entry for this variant (Variation ID: 405554). An algorithm developed to predict the effect of missense changes on protein structure and function (PolyPhen-2) suggests that this variant is likely to be tolerated. In summary, the available evidence is currently insufficient to determine the role of this variant in disease. Therefore, it has been classified as a Variant of Uncertain Significance.

PreventionGenetics, part of Exact Sciences
Classification: Uncertain significance for RET-related condition. Last evaluated: 2025-10-31. Review status: criteria provided, single submitter. Criteria: ACMG Guidelines, 2015. Collection method: clinical testing. Allele origin: germline.
Comment: The RET c.628G>A variant is predicted to result in the amino acid substitution p.Glu210Lys. This variant was reported in an individual with Hirschsprung disease (Carter et al. 2012. PubMed ID: 22648184) and in an individual with colorectal cancer (Erdem et al. 2020. PubMed ID: 32283892). This variant is reported in 0.0011% of alleles in individuals of European (non-Finnish) descent in gnomAD and is interpreted as uncertain in ClinVar (Variation ID: 405554). At this time, the clinical significance of this variant is uncertain due to the absence of conclusive functional and genetic evidence.

Ambry Genetics
Classification: Likely benign for Hereditary cancer-predisposing syndrome. Last evaluated: 2025-09-07. Review status: criteria provided, single submitter. Criteria: Ambry Variant Classification Scheme 2023. Collection method: clinical testing. Allele origin: germline.

Fulgent Genetics
Classification: Uncertain significance for Hirschsprung disease, susceptibility to, 1; Familial medullary thyroid carcinoma; Multiple endocrine neoplasia type 2B; Pheochromocytoma; Multiple endocrine neoplasia type 2A. Last evaluated: 2024-02-02. Review status: criteria provided, single submitter. Criteria: ACMG Guidelines, 2015. Collection method: clinical testing. Allele origin: germline.

All of Us Research Program, National Institutes of Health
Classification: Uncertain significance for Multiple endocrine neoplasia, type 2. Last evaluated: 2023-10-06. Review status: criteria provided, single submitter. Criteria: ACMG Guidelines, 2015. Collection method: clinical testing. Allele origin: germline. Inheritance: Autosomal dominant inheritance. Observed: 2 variant alleles, 2 heterozygotes.
Comment: This missense variant replaces glutamic acid with lysine at codon 210 of the RET protein. Computational prediction suggests that this variant may not impact protein structure and function (internally defined REVEL score threshold <= 0.5, PMID: 27666373). To our knowledge, functional studies have not been reported for this variant. This variant has been reported in individuals with colorectal cancer or Hirschsprung disease (PMID: 22648184, 32283892). This variant has been identified in 1/206144 chromosomes in the general population by the Genome Aggregation Database (gnomAD). The available evidence is insufficient to determine the role of this variant in disease conclusively. Therefore, this variant is classified as a Variant of Uncertain Significance.

This study involves interpretation of variants in research participants for the purpose of population health screening. Participant phenotype was not available at the time of variant classification. Additional details can be found in publication PMID: 35346344, PMCID: PMC8962531

Baylor Genetics
Classification: Uncertain significance for Hirschsprung disease, susceptibility to, 1. Last evaluated: 2023-09-21. Review status: criteria provided, single submitter. Criteria: ACMG Guidelines, 2015. Collection method: clinical testing. Allele origin: unknown.

GeneDx
Classification: Uncertain significance. Last evaluated: 2022-12-06. Review status: criteria provided, single submitter. Criteria: GeneDx Variant Classification Process June 2021. Collection method: clinical testing. Allele origin: germline. Affected: yes.
Comment: Not observed at significant frequency in large population cohorts (gnomAD); In silico analysis supports that this missense variant does not alter protein structure/function; Observed in an individual with Hirschsprung disease and in an individual with colorectal cancer (Carter et al., 2012; Erdem et al., 2020); This variant is associated with the following publications: (PMID: 14633923, 22648184, 32283892)

Women's Health and Genetics/Laboratory Corporation of America, LabCorp
Classification: Uncertain significance. Last evaluated: 2021-11-08. Review status: criteria provided, single submitter. Criteria: LabCorp Variant Classification Summary - May 2015. Collection method: clinical testing. Allele origin: germline.
Comment: Variant summary: RET c.628G>A (p.Glu210Lys) results in a conservative amino acid change located in the Cadherin-like (IPR002126) of the encoded protein sequence. Five of five in-silico tools predict a benign effect of the variant on protein function. The variant was absent in 174788 control chromosomes (gnomAD). The available data on variant occurrences in the general population are insufficient to allow any conclusion about variant significance. c.628G>A has been reported in the literature in individuals affected with Hirschsprungs disease (Carter_2012) or colorectal cancer (Erdem_2020). To our knowledge, no experimental evidence demonstrating an impact on protein function has been reported. Four clinical diagnostic laboratories have submitted clinical-significance assessments for this variant to ClinVar after 2014 wand all laboratories classified the variant as uncertain significance. Based on the evidence outlined above, the variant was classified as uncertain significance.

CeGaT Center for Human Genetics Tuebingen
Classification: Uncertain significance. Last evaluated: 2020-10-01. Review status: criteria provided, single submitter. Criteria: CeGaT Center For Human Genetics Tuebingen Variant Classification Criteria Version 2. Collection method: clinical testing. Allele origin: germline. Affected: yes. Observed: 1 variant allele.

Illumina Laboratory Services, Illumina
Classification: Uncertain significance for Multiple endocrine neoplasia. Last evaluated: 2018-03-23. Review status: criteria provided, single submitter. Criteria: ICSL Variant Classification Criteria 13 December 2019. Collection method: clinical testing. Allele origin: germline.

Illumina Laboratory Services, Illumina
Classification: Uncertain significance for Renal hypodysplasia/aplasia 1. Last evaluated: 2018-03-23. Review status: criteria provided, single submitter. Criteria: ICSL Variant Classification Criteria 13 December 2019. Collection method: clinical testing. Allele origin: germline.

Illumina Laboratory Services, Illumina
Classification: Uncertain significance for Hirschsprung disease, susceptibility to, 1. Last evaluated: 2018-03-23. Review status: criteria provided, single submitter. Criteria: ICSL Variant Classification Criteria 13 December 2019. Collection method: clinical testing. Allele origin: germline.

Illumina Laboratory Services, Illumina
Classification: Uncertain significance for Pheochromocytoma. Last evaluated: 2018-03-23. Review status: criteria provided, single submitter. Criteria: ICSL Variant Classification Criteria 13 December 2019. Collection method: clinical testing. Allele origin: germline.

Literature cited by the submitters: PubMed 22648184 (cited by 3 submitters); PubMed 32283892 (cited by 4 submitters).